The following is an entry in ClinVar:

ClinVar aggregate classification (germline): Uncertain significance (1 of 4 stars; one submission).

Conditions:
Congenital myasthenic syndrome 20. Also called: Myasthenic syndrome, congenital, 20, presynaptic. Identifiers: MedGen C4310694, MONDO:0014939, OMIM 617143.
Neuronopathy, distal hereditary motor, type 7A. Also called: NEURONOPATHY, DISTAL HEREDITARY MOTOR, HARDING TYPE VIIA; NEUROPATHY, DISTAL HEREDITARY MOTOR, HARDING TYPE VIIA; Neuronopathy, distal hereditary motor, autosomal dominant 7; HARPER-YOUNG MYOPATHY; HMN VIIA; SPINAL MUSCULAR ATROPHY, DISTAL, WITH VOCAL CORD PARALYSIS. Identifiers: Orphanet 139589, MedGen C1834703, MONDO:0008024, OMIM 158580.

Allele frequency attached by ClinVar (database versions not stated): ExAC 0.00001; gnomAD exomes below 0.00001; gnomAD 0.00001; TOPMed 0.00001.
gnomAD v4.1: 4 of 1,614,014 alleles (0.00025%); highest among the groups gnomAD compares: Non-Finnish European, 0.00034%; no homozygotes.

Submission:

Labcorp Genetics (formerly Invitae), Labcorp
Classification: Uncertain significance for Neuronopathy, distal hereditary motor, type 7A; Congenital myasthenic syndrome 20. Last evaluated: 2025-08-18. Review status: criteria provided, single submitter. Criteria: Invitae Variant Classification Sherloc (09022015). Collection method: clinical testing. Allele origin: germline.
Comment: This sequence change replaces glutamic acid, which is acidic and polar, with glycine, which is neutral and non-polar, at codon 37 of the SLC5A7 protein (p.Glu37Gly). This variant is present in population databases (rs771965968, gnomAD 0.0009%). This variant has not been reported in the literature in individuals affected with SLC5A7-related conditions. ClinVar contains an entry for this variant (Variation ID: 654254). Invitae Evidence Modeling of protein sequence and biophysical properties (such as structural, functional, and spatial information, amino acid conservation, physicochemical variation, residue mobility, and thermodynamic stability) indicates that this missense variant is not expected to disrupt SLC5A7 protein function with a negative predictive value of 80%. In summary, the available evidence is currently insufficient to determine the role of this variant in disease. Therefore, it has been classified as a Variant of Uncertain Significance.

NM_021815.5(SLC5A7):c.110A>G (p.Glu37Gly)

Gene: SLC5A7 (solute carrier family 5 member 7; plus strand). Cytogenetic location: 2q12.3.
Variant type: single nucleotide variant.
Coding change: c.110A>G on transcript NM_021815.5 (MANE Select); coding-DNA position 110, A replaced by G.
Protein change: p.Glu37Gly; replaces glutamic acid 37 with glycine.
Molecular consequence: missense variant. On other transcripts: 5 prime UTR variant (1), intron variant (1).
Genome position (GRCh38, 1-based): chr2:107,988,265, A>G. VCF-style: chr2-107988265-A-G. GRCh37 (hg19) VCF-style: chr2-108604721-A-G.
Other names: c.110A>G, p.Glu37Gly (NM_001305005.3); c.-595A>G (NM_001305007.3); c.-138+1502A>G (NM_001305006.3); short protein forms E37G.
Identifiers: ClinVar variation 654254 (VCV000654254.6), dbSNP rs771965968, ClinGen allele CA1818880.